The following is an entry in ClinVar:

NM_032043.3(BRIP1):c.3127A>G (p.Ser1043Gly)

Gene: BRIP1 (BRCA1 interacting DNA helicase 1; minus strand). Cytogenetic location: 17q23.2.
Variant type: single nucleotide variant.
Coding change: c.3127A>G on transcript NM_032043.3 (MANE Select); coding-DNA position 3127, A replaced by G.
Protein change: p.Ser1043Gly; replaces serine 1043 with glycine.
Molecular consequence: missense variant.
Genome position (GRCh38, 1-based): chr17:61,683,919, T>C on the plus strand (A>G on the coding strand, the complement: BRIP1 is on the minus strand). VCF-style: chr17-61683919-T-C. GRCh37 (hg19) VCF-style: chr17-59761280-T-C.
Other names: short protein forms S1043G.
Identifiers: ClinVar variation 2774986 (VCV002774986.3), dbSNP rs1344938745, ClinGen allele CA400479636.

ClinVar aggregate classification (germline): Uncertain significance. Review status: criteria provided, multiple submitters, no conflicts (2 of 4 stars). 2 submissions from 2 submitters: Uncertain significance (2). Last evaluated 2025-06-15.

Conditions:
Hereditary cancer-predisposing syndrome. Also called: Hereditary Cancer Syndrome; Hereditary neoplastic syndrome; Tumor predisposition; Neoplastic Syndromes, Hereditary. Identifiers: Orphanet 140162, MedGen C0027672, MeSH D009386, MONDO:0015356.
Fanconi anemia complementation group J. Also called: BRIP1-Related Fanconi Anemia. Identifiers: Orphanet 84, MedGen C1836860, MONDO:0012187, OMIM 609054.
Familial cancer of breast. Also called: Hereditary breast cancer; hereditary breast carcinoma; BREAST CANCER, FAMILIAL. Identifiers: Orphanet 227535, MedGen C0346153, MONDO:0016419, OMIM 114480. Disease mechanism: loss of function.

Allele frequency attached by ClinVar (database versions not stated): gnomAD exomes below 0.00001; TOPMed below 0.00001.
gnomAD v4.1: 2 of 1,614,232 alleles (0.00012%); highest among the groups gnomAD compares: Non-Finnish European, 0.000085%; no homozygotes.

Submissions (2):

Labcorp Genetics (formerly Invitae), Labcorp
Classification: Uncertain significance for Familial cancer of breast; Fanconi anemia complementation group J. Last evaluated: 2025-06-15. Review status: criteria provided, single submitter. Criteria: Invitae Variant Classification Sherloc (09022015). Collection method: clinical testing. Allele origin: germline.
Comment: This sequence change replaces serine, which is neutral and polar, with glycine, which is neutral and non-polar, at codon 1043 of the BRIP1 protein (p.Ser1043Gly). This variant is not present in population databases (gnomAD no frequency). This variant has not been reported in the literature in individuals affected with BRIP1-related conditions. ClinVar contains an entry for this variant (Variation ID: 2774986). Invitae Evidence Modeling of protein sequence and biophysical properties (such as structural, functional, and spatial information, amino acid conservation, physicochemical variation, residue mobility, and thermodynamic stability) indicates that this missense variant is not expected to disrupt BRIP1 protein function with a negative predictive value of 95%. RNA analysis performed to evaluate the impact of this missense change on mRNA splicing indicates it does not significantly alter splicing (internal data). In summary, the available evidence is currently insufficient to determine the role of this variant in disease. Therefore, it has been classified as a Variant of Uncertain Significance.

Color Diagnostics, LLC DBA Color Health
Classification: Uncertain significance for Hereditary cancer-predisposing syndrome. Last evaluated: 2023-10-26. Review status: criteria provided, single submitter. Criteria: ACMG Guidelines, 2015. Collection method: clinical testing. Allele origin: germline.
Comment: This missense variant replaces serine with glycine at codon 1043 of the BRIP1 protein. Computational prediction suggests that this variant may not impact protein structure and function (internally defined REVEL score threshold <= 0.5, PMID: 27666373). To our knowledge, functional studies have not been reported for this variant. This variant has not been reported in individuals affected with BRIP1-related disorders in the literature. This variant has not been identified in the general population by the Genome Aggregation Database (gnomAD). The available evidence is insufficient to determine the role of this variant in disease conclusively. Therefore, this variant is classified as a Variant of Uncertain Significance.